The following is an entry in ClinVar:

NM_020911.2(PLXNA4):c.3752T>G (p.Ile1251Ser)

Gene: PLXNA4 (plexin A4; minus strand). Cytogenetic location: 7q32.3.
Variant type: single nucleotide variant.
Coding change: c.3752T>G on transcript NM_020911.2 (MANE Select); coding-DNA position 3752, T replaced by G.
Protein change: p.Ile1251Ser; replaces isoleucine 1251 with serine.
Molecular consequence: missense variant.
Genome position (GRCh38, 1-based): chr7:132,179,809, A>C on the plus strand (T>G on the coding strand, the complement: PLXNA4 is on the minus strand). VCF-style: chr7-132179809-A-C. GRCh37 (hg19) VCF-style: chr7-131864568-A-C.
Other names: c.3752T>G, p.Ile1251Ser (NM_001393897.1); short protein forms I1251S.
Identifiers: ClinVar variation 3355940 (VCV003355940.2).

ClinVar aggregate classification (germline): Uncertain significance (1 of 4 stars; one submission).

Conditions:
PLXNA4-related disorder. Also called: PLXNA4-related condition.

gnomAD v4.1: 87 of 1,613,394 alleles (0.0054%); highest among the groups gnomAD compares: Non-Finnish European, 0.0071%; no homozygotes.

Submission:

PreventionGenetics, part of Exact Sciences
Classification: Uncertain significance for PLXNA4-related condition. Last evaluated: 2026-06-13. Review status: criteria provided, single submitter. Criteria: ACMG Guidelines, 2015. Collection method: clinical testing. Allele origin: germline.
Comment: The PLXNA4 c.3752T>G variant is predicted to result in the amino acid substitution p.Ile1251Ser. To our knowledge, this variant has not been reported in the literature. This variant is reported in 0.0024% of alleles in individuals of European (Non-Finnish) descent in gnomAD. At this time, the clinical significance of this variant is uncertain due to the absence of conclusive functional and genetic evidence.